The following is an entry in ClinVar:

ClinVar aggregate classification (germline): Uncertain significance. Review status: criteria provided, multiple submitters, no conflicts (2 of 4 stars). 4 submissions from 4 submitters: Uncertain significance (4). Last evaluated 2026-01-06.

Conditions:
Hereditary cancer-predisposing syndrome. Also called: Tumor predisposition; Hereditary Cancer Syndrome; Neoplastic Syndromes, Hereditary; Hereditary neoplastic syndrome. Identifiers: Orphanet 140162, MedGen C0027672, MeSH D009386, MONDO:0015356.
Familial cancer of breast. Also called: BREAST CANCER, FAMILIAL; Hereditary breast cancer; hereditary breast carcinoma. Identifiers: Orphanet 227535, MedGen C0346153, MONDO:0016419, OMIM 114480. Disease mechanism: loss of function.
Fanconi anemia complementation group J. Also called: BRIP1-Related Fanconi Anemia. Identifiers: Orphanet 84, MedGen C1836860, MONDO:0012187, OMIM 609054.

Submissions (4):

Labcorp Genetics (formerly Invitae), Labcorp
Classification: Uncertain significance for Familial cancer of breast; Fanconi anemia complementation group J. Last evaluated: 2026-01-06. Review status: criteria provided, single submitter. Criteria: Invitae Variant Classification Sherloc (09022015). Collection method: clinical testing. Allele origin: germline.
Comment: This sequence change replaces glycine, which is neutral and non-polar, with valine, which is neutral and non-polar, at codon 481 of the BRIP1 protein (p.Gly481Val). This variant is not present in population databases (gnomAD no frequency). This variant has not been reported in the literature in individuals affected with BRIP1-related conditions. ClinVar contains an entry for this variant (Variation ID: 128159). Invitae Evidence Modeling of protein sequence and biophysical properties (such as structural, functional, and spatial information, amino acid conservation, physicochemical variation, residue mobility, and thermodynamic stability) indicates that this missense variant is expected to disrupt BRIP1 protein function with a positive predictive value of 95%. In summary, the available evidence is currently insufficient to determine the role of this variant in disease. Therefore, it has been classified as a Variant of Uncertain Significance.

Ambry Genetics
Classification: Uncertain significance for Hereditary cancer-predisposing syndrome. Last evaluated: 2025-08-27. Review status: criteria provided, single submitter. Criteria: Ambry Variant Classification Scheme 2023. Collection method: clinical testing. Allele origin: germline.
Comment: The p.G481V variant (also known as c.1442G>T), located in coding exon 9 of the BRIP1 gene, results from a G to T substitution at nucleotide position 1442. The glycine at codon 481 is replaced by valine, an amino acid with dissimilar properties. This amino acid position is highly conserved in available vertebrate species. In addition, this alteration is predicted to be deleterious by in silico analysis. Based on the available evidence, the clinical significance of this variant remains unclear.

Color Diagnostics, LLC DBA Color Health
Classification: Uncertain significance for Hereditary cancer-predisposing syndrome. Last evaluated: 2025-03-24. Review status: criteria provided, single submitter. Criteria: ACMG Guidelines, 2015. Collection method: clinical testing. Allele origin: germline.
Comment: This missense variant replaces glycine with valine at codon 481 of the BRIP1 protein. Computational prediction suggests that this variant may have deleterious impact on protein structure and function. To our knowledge, functional studies have not been reported for this variant. This variant has been reported in an individual affected with Li-Fraumeni syndrome meeting the Chompret criteria (PMID: 27498913). This variant has not been identified in the general population by the Genome Aggregation Database (gnomAD). The available evidence is insufficient to determine the role of this variant in disease conclusively. Therefore, this variant is classified as a Variant of Uncertain Significance.

GeneDx
Classification: Uncertain significance. Last evaluated: 2016-10-27. Review status: criteria provided, single submitter. Criteria: GeneDx Variant Classification (06012015). Collection method: clinical testing. Allele origin: germline. Affected: yes.
Comment: This variant is denoted BRIP1 c.1442G>T at the cDNA level, p.Gly481Val (G481V) at the protein level, and results in the change of a Glycine to a Valine (GGT>GTT). This variant has been observed in an individual with chondrosarcoma (Ballinger 2016). BRIP1 Gly481Val was not observed in approximately 6,500 individuals of European and African American ancestry in the NHLBI Exome Sequencing Project, indicating it is not a common benign variant in these populations. Since Glycine and Valine share similar properties, this is considered a conservative amino acid substitution. BRIP1 Gly481Val occurs at a position that is conserved across species and is located in within the helicase domain (Cantor 2011). In silico analyses predict that this variant is probably damaging to protein structure and function. Based on currently available evidence, it is unclear whether BRIP1 Gly481Val is a pathogenic or benign variant. We consider it to be a variant of uncertain significance.

Literature cited by the submitters: PubMed 27498913 (cited by Color Diagnostics, LLC DBA Color Health).

NM_032043.3(BRIP1):c.1442G>T (p.Gly481Val)

Gene: BRIP1 (BRCA1 interacting DNA helicase 1; minus strand). Cytogenetic location: 17q23.2.
Variant type: single nucleotide variant.
Coding change: c.1442G>T on transcript NM_032043.3 (MANE Select); coding-DNA position 1442, G replaced by T.
Protein change: p.Gly481Val; replaces glycine 481 with valine.
Molecular consequence: missense variant.
Genome position (GRCh38, 1-based): chr17:61,793,628, C>A on the plus strand (G>T on the coding strand, the complement: BRIP1 is on the minus strand). VCF-style: chr17-61793628-C-A. GRCh37 (hg19) VCF-style: chr17-59870989-C-A.
Other names: p.G481V:GGT>GTT; short protein forms G481V.
Identifiers: ClinVar variation 128159 (VCV000128159.14), dbSNP rs200062099, ClinGen allele CA288523.